The following is an entry in ClinVar:

NM_002778.4(PSAP):c.40+6C>T

Gene: PSAP (prosaposin; minus strand). Cytogenetic location: 10q22.1.
Variant type: single nucleotide variant.
Coding change: c.40+6C>T on transcript NM_002778.4 (MANE Select); 6 bases into the intron after coding-DNA position 40, C replaced by T.
Molecular consequence: intron variant.
Genome position (GRCh38, 1-based): chr10:71,851,176, G>A on the plus strand (C>T on the coding strand, the complement: PSAP is on the minus strand). VCF-style: chr10-71851176-G-A. GRCh37 (hg19) VCF-style: chr10-73610933-G-A.
Other names: c.40+6C>T (NM_001042466.3, NM_001042465.3).
Identifiers: ClinVar variation 1447447 (VCV001447447.8), dbSNP rs2133075231, ClinGen allele CA2573145280.

ClinVar aggregate classification (germline): Uncertain significance. Review status: criteria provided, multiple submitters, no conflicts (2 of 4 stars). 2 submissions from 2 submitters: Uncertain significance (2). Last evaluated 2025-09-14.

Conditions:
Sphingolipid activator protein 1 deficiency. Also called: METACHROMATIC LEUKODYSTROPHY DUE TO CEREBROSIDE SULFATASE ACTIVATOR DEFICIENCY; Metachromatic leukodystrophy due to saposin B deficiency; Saposin B Deficiency. Identifiers: Orphanet 512, MedGen C0268262, MONDO:0009590, OMIM 249900.

Allele frequency attached by ClinVar (database versions not stated): gnomAD exomes 0.00001.
gnomAD v4.1: 4 of 1,551,026 alleles (0.00026%); highest among the groups gnomAD compares: Non-Finnish European, 0.00035%; no homozygotes.

Submissions (2):

Women's Health and Genetics/Laboratory Corporation of America, LabCorp
Classification: Uncertain significance. Last evaluated: 2025-09-14. Review status: criteria provided, single submitter. Criteria: LabCorp Variant Classification Summary - May 2015. Collection method: clinical testing. Allele origin: germline.

Labcorp Genetics (formerly Invitae), Labcorp
Classification: Uncertain significance for Sphingolipid activator protein 1 deficiency. Last evaluated: 2024-02-07. Review status: criteria provided, single submitter. Criteria: Invitae Variant Classification Sherloc (09022015). Collection method: clinical testing. Allele origin: germline.
Comment: This sequence change falls in intron 1 of the PSAP gene. It does not directly change the encoded amino acid sequence of the PSAP protein. It affects a nucleotide within the consensus splice site. This variant is not present in population databases (gnomAD no frequency). This variant has not been reported in the literature in individuals affected with PSAP-related conditions. ClinVar contains an entry for this variant (Variation ID: 1447447). Variants that disrupt the consensus splice site are a relatively common cause of aberrant splicing (PMID: 17576681, 9536098). Algorithms developed to predict the effect of sequence changes on RNA splicing suggest that this variant is not likely to affect RNA splicing. In summary, the available evidence is currently insufficient to determine the role of this variant in disease. Therefore, it has been classified as a Variant of Uncertain Significance.

Literature cited by the submitters: PubMed 17576681 (cited by Labcorp Genetics (formerly Invitae), Labcorp); PubMed 9536098 (cited by Labcorp Genetics (formerly Invitae), Labcorp).